The following is an entry in ClinVar:

ClinVar aggregate classification (germline): Uncertain significance (1 of 4 stars; one submission).

Conditions:
Bardet-Biedl syndrome (BBS). Identifiers: Orphanet 110, MedGen C0752166, MONDO:0015229.

Submission:

Labcorp Genetics (formerly Invitae), Labcorp
Classification: Uncertain significance for Bardet-Biedl syndrome. Last evaluated: 2020-01-31. Review status: criteria provided, single submitter. Criteria: Invitae Variant Classification Sherloc (09022015). Collection method: clinical testing. Allele origin: germline.
Comment: In summary, the available evidence is currently insufficient to determine the role of this variant in disease. Therefore, it has been classified as a Variant of Uncertain Significance. This variant has not been reported in the literature in individuals with WDPCP-related conditions. This variant is a gross deletion of the genomic region encompassing exons 16-18 of the WDPCP gene. The 5' boundary is likely confined to intron 15. The 3' end of this event is unknown as it extends through the termination codon beyond the assayed region for this gene and may encompass additional genes. While this deletion is not anticipated to result in nonsense mediated decay, it is expected to create a truncated protein product or disrupt mRNA translation.

NC_000002.11:g.(?_63349141)_(63380709_?)del

Gene: WDPCP (WD repeat containing planar cell polarity effector; minus strand). Cytogenetic location: 2p15.
Variant type: Deletion.
Identifiers: ClinVar variation 1015839 (VCV001015839.3).